The following is an entry in ClinVar:

NM_005060.4(RORC):c.598T>C (p.Cys200Arg)

Gene: RORC (RAR related orphan receptor C; minus strand). Cytogenetic location: 1q21.3.
Variant type: single nucleotide variant.
Coding change: c.598T>C on transcript NM_005060.4 (MANE Select); coding-DNA position 598, T replaced by C.
Protein change: p.Cys200Arg; replaces cysteine 200 with arginine.
Molecular consequence: missense variant.
Genome position (GRCh38, 1-based): chr1:151,815,126, A>G on the plus strand (T>C on the coding strand, the complement: RORC is on the minus strand). VCF-style: chr1-151815126-A-G. GRCh37 (hg19) VCF-style: chr1-151787602-A-G.
Other names: c.598T>C, p.Cys200Arg (LRG_1322t1); c.535T>C, p.Cys179Arg (LRG_1322t2, NM_001001523.2); short protein forms C200R, C179R.
Identifiers: ClinVar variation 641160 (VCV000641160.9), dbSNP rs375293231, ClinGen allele CA1095895.

ClinVar aggregate classification (germline): Uncertain significance. Review status: criteria provided, multiple submitters, no conflicts (2 of 4 stars). 2 submissions from 2 submitters: Uncertain significance (2). Last evaluated 2023-10-05.

Conditions:
Inborn genetic diseases. Identifiers: MedGen C0950123, MeSH D030342.
Autosomal recessive mendelian susceptibility to mycobacterial diseases due to complete RORgamma receptor deficiency. Also called: Immunodeficiency 42. Identifiers: Orphanet 477857, MedGen C5567647, MONDO:0014710, OMIM 616622.

Allele frequency attached by ClinVar (database versions not stated): gnomAD exomes 0.00001; TOPMed 0.00002; gnomAD 0.00004; ESP Exome Variant Server 0.00008.
gnomAD v4.1: 8 of 1,614,024 alleles (0.0005%); highest among the groups gnomAD compares: African/African-American, 0.011%; no homozygotes.

Submissions (2):

Ambry Genetics
Classification: Uncertain significance for Inborn genetic diseases. Last evaluated: 2023-10-05. Review status: criteria provided, single submitter. Criteria: Ambry Variant Classification Scheme 2023. Collection method: clinical testing. Allele origin: germline.

Labcorp Genetics (formerly Invitae), Labcorp
Classification: Uncertain significance for Autosomal recessive mendelian susceptibility to mycobacterial diseases due to complete RORgamma receptor deficiency. Last evaluated: 2019-08-01. Review status: criteria provided, single submitter. Criteria: Invitae Variant Classification Sherloc (09022015). Collection method: clinical testing. Allele origin: germline.
Comment: In summary, the available evidence is currently insufficient to determine the role of this variant in disease. Therefore, it has been classified as a Variant of Uncertain Significance. Algorithms developed to predict the effect of missense changes on protein structure and function (SIFT, PolyPhen-2, Align-GVGD) all suggest that this variant is likely to be tolerated, but these predictions have not been confirmed by published functional studies and their clinical significance is uncertain. This variant has not been reported in the literature in individuals with RORC-related disease. This variant is present in population databases (rs375293231, ExAC 0.02%). This sequence change replaces cysteine with arginine at codon 200 of the RORC protein (p.Cys200Arg). The cysteine residue is moderately conserved and there is a large physicochemical difference between cysteine and arginine.